The following is an entry in ClinVar:

NM_004370.6(COL12A1):c.1163C>T (p.Thr388Met)

Gene: COL12A1 (collagen type XII alpha 1 chain; minus strand). Cytogenetic location: 6q13.
Variant type: single nucleotide variant.
Coding change: c.1163C>T on transcript NM_004370.6 (MANE Select); coding-DNA position 1163, C replaced by T.
Protein change: p.Thr388Met; replaces threonine 388 with methionine.
Molecular consequence: missense variant. On other transcripts: intron variant (1).
Genome position (GRCh38, 1-based): chr6:75,183,979, G>A on the plus strand (C>T on the coding strand, the complement: COL12A1 is on the minus strand). VCF-style: chr6-75183979-G-A. GRCh37 (hg19) VCF-style: chr6-75893695-G-A.
Other names: p.Thr388Met; c.73+18741C>T (NM_080645.3); short protein forms T388M.
Identifiers: ClinVar variation 647776 (VCV000647776.16), dbSNP rs201657256, ClinGen allele CA3894255.

ClinVar aggregate classification (germline): Conflicting classifications of pathogenicity. Review status: criteria provided, conflicting classifications (1 of 4 stars). 5 submissions from 5 submitters: Uncertain significance (4); Likely benign (1). Last evaluated 2026-01-02.

Conditions:
Inborn genetic diseases. Identifiers: MedGen C0950123, MeSH D030342.
Ullrich congenital muscular dystrophy 2 (UCMD2). Identifiers: Orphanet 75840, MedGen C4225314, MONDO:0014654, OMIM 616470.
Bethlem myopathy 2 (BTHLM2). Identifiers: Orphanet 536516, Orphanet 610, MedGen C4225313, MONDO:0034022, OMIM 616471.

Allele frequency attached by ClinVar (database versions not stated): ExAC 0.00003; gnomAD 0.00008 and 0.00009; 1000 Genomes Project 0.00020; gnomAD exomes 0.00001; TOPMed 0.00011; 1000 Genomes Project 30x 0.00016.
gnomAD v4.1: 31 of 1,614,162 alleles (0.0019%); highest among the groups gnomAD compares: Admixed American, 0.017%; no homozygotes.

Submissions (5):

Labcorp Genetics (formerly Invitae), Labcorp
Classification: Likely benign for Bethlem myopathy 2; Ullrich congenital muscular dystrophy 2. Last evaluated: 2026-01-02. Review status: criteria provided, single submitter. Criteria: Invitae Variant Classification Sherloc (09022015). Collection method: clinical testing. Allele origin: germline.

Mayo Clinic Laboratories, Mayo Clinic
Classification: Uncertain significance. Last evaluated: 2025-05-12. Review status: criteria provided, single submitter. Criteria: ACMG Guidelines, 2015. Collection method: clinical testing. Allele origin: germline. Observed: 1 variant allele.
Comment: BP4_moderate

Ambry Genetics
Classification: Uncertain significance for Inborn genetic diseases. Last evaluated: 2024-01-03. Review status: criteria provided, single submitter. Criteria: Ambry Variant Classification Scheme 2023. Collection method: clinical testing. Allele origin: germline.

GeneDx
Classification: Uncertain significance. Last evaluated: 2021-07-29. Review status: criteria provided, single submitter. Criteria: GeneDx Variant Classification Process June 2021. Collection method: clinical testing. Allele origin: germline. Affected: yes.
Comment: Has not been previously published as pathogenic or benign to our knowledge; In silico analysis supports that this missense variant does not alter protein structure/function; Reported in ClinVar as a variant of uncertain significance (ClinVar Variant ID #647776; Landrum et al., 2016)

Revvity Omics, Revvity
Classification: Uncertain significance. Last evaluated: 2019-06-05. Review status: criteria provided, single submitter. Criteria: ACMG Guidelines, 2015. Collection method: clinical testing. Allele origin: germline.